The following is an entry in ClinVar:

NM_001903.5(CTNNA1):c.1874T>C (p.Ile625Thr)

Gene: CTNNA1 (catenin alpha 1; plus strand). Cytogenetic location: 5q31.2.
Variant type: single nucleotide variant.
Coding change: c.1874T>C on transcript NM_001903.5 (MANE Select); coding-DNA position 1874, T replaced by C.
Protein change: p.Ile625Thr; replaces isoleucine 625 with threonine.
Molecular consequence: missense variant.
Genome position (GRCh38, 1-based): chr5:138,925,382, T>C. VCF-style: chr5-138925382-T-C. GRCh37 (hg19) VCF-style: chr5-138261071-T-C.
Other names: c.1874T>C, p.Ile625Thr (NM_001290307.3, NM_001323982.2, NM_001323983.1 and 2 more transcripts); c.1565T>C, p.Ile522Thr (NM_001290309.3); c.1505T>C, p.Ile502Thr (NM_001290310.3); c.764T>C, p.Ile255Thr (NM_001290312.1, NM_001323987.1, NM_001323988.1 and 17 more transcripts); c.1781T>C, p.Ile594Thr (NM_001323986.2); c.425T>C, p.Ile142Thr (NM_001324006.1, NM_001324007.1, NM_001324008.1 and 2 more transcripts); c.671T>C, p.Ile224Thr (NM_001324011.1); c.521T>C, p.Ile174Thr (NM_001324012.1, NM_001324013.1); short protein forms I224T, I255T, I625T, I142T, I594T, I174T, I502T, I522T.
Identifiers: ClinVar variation 2563295 (VCV002563295.2), dbSNP rs2533736944, ClinGen allele CA361132395.

ClinVar aggregate classification (germline): Uncertain significance (1 of 4 stars; one submission).

Conditions:
Hereditary cancer-predisposing syndrome. Also called: Neoplastic Syndromes, Hereditary; Hereditary Cancer Syndrome; Hereditary neoplastic syndrome; Tumor predisposition. Identifiers: Orphanet 140162, MedGen C0027672, MeSH D009386, MONDO:0015356.

Submission:

Ambry Genetics
Classification: Uncertain significance for Hereditary cancer-predisposing syndrome. Last evaluated: 2023-06-12. Review status: criteria provided, single submitter. Criteria: Ambry Variant Classification Scheme 2023. Collection method: clinical testing. Allele origin: germline.
Comment: The p.I625T variant (also known as c.1874T>C), located in coding exon 12 of the CTNNA1 gene, results from a T to C substitution at nucleotide position 1874. The isoleucine at codon 625 is replaced by threonine, an amino acid with similar properties. This amino acid position is conserved. In addition, this alteration is predicted to be deleterious by in silico analysis. Since supporting evidence is limited at this time, the clinical significance of this alteration remains unclear.